The following is an entry in ClinVar:

NM_006245.4(PPP2R5D):c.919A>G (p.Ile307Val)

Gene: PPP2R5D (protein phosphatase 2 regulatory subunit B'delta; plus strand). Cytogenetic location: 6p21.1.
Variant type: single nucleotide variant.
Coding change: c.919A>G on transcript NM_006245.4 (MANE Select); coding-DNA position 919, A replaced by G.
Protein change: p.Ile307Val; replaces isoleucine 307 with valine.
Molecular consequence: missense variant.
Genome position (GRCh38, 1-based): chr6:43,008,368, A>G. VCF-style: chr6-43008368-A-G. GRCh37 (hg19) VCF-style: chr6-42976106-A-G.
Other names: c.466A>G, p.Ile156Val (NM_001270476.2); c.823A>G, p.Ile275Val (NM_180976.3); c.601A>G, p.Ile201Val (NM_180977.3); short protein forms I156V, I201V, I275V, I307V.
Identifiers: ClinVar variation 3367950 (VCV003367950.1).

ClinVar aggregate classification (germline): Uncertain significance (1 of 4 stars; one submission).

Submission:

GeneDx
Classification: Uncertain significance. Last evaluated: 2024-01-22. Review status: criteria provided, single submitter. Criteria: GeneDx Variant Classification Process June 2021. Collection method: clinical testing. Allele origin: germline. Affected: yes.
Comment: Not observed at significant frequency in large population cohorts (gnomAD); In silico analysis supports that this missense variant does not alter protein structure/function; Has not been previously published as pathogenic or benign to our knowledge